The following is an entry in ClinVar:

ClinVar aggregate classification (germline): Likely benign. Review status: criteria provided, multiple submitters, no conflicts (2 of 4 stars). 2 submissions from 2 submitters: Likely benign (2). Last evaluated 2025-08-24.

Conditions:
VPS13B-related disorder. Also called: VPS13B-related condition.
Cohen syndrome (COH1). Also called: Cutis verticis gyrata, retinitis pigmentosa, and sensorineural deafness; PEPPER SYNDROME. Identifiers: Orphanet 193, MedGen C0265223, MONDO:0008999, OMIM 216550.

Allele frequency attached by ClinVar (database versions not stated): TOPMed below 0.00001; gnomAD 0.00001; gnomAD exomes 0.00001.
gnomAD v4.1: 9 of 1,614,024 alleles (0.00056%); highest among the groups gnomAD compares: African/African-American, 0.0013%; no homozygotes.

Submissions (2):

PreventionGenetics, part of Exact Sciences
Classification: Likely benign for VPS13B-related condition. Last evaluated: 2025-08-24. Review status: criteria provided, single submitter. Criteria: ACMG Guidelines, 2015. Collection method: clinical testing. Allele origin: germline.
Comment: This variant is classified as likely benign based on ACMG/AMP sequence variant interpretation guidelines (Richards et al. 2015 PMID: 25741868, with internal and published modifications).

Labcorp Genetics (formerly Invitae), Labcorp
Classification: Likely benign for Cohen syndrome. Last evaluated: 2025-06-24. Review status: criteria provided, single submitter. Criteria: Invitae Variant Classification Sherloc (09022015). Collection method: clinical testing. Allele origin: germline.

NM_152564.5(VPS13B):c.5484T>C (p.Cys1828=)

Gene: VPS13B (vacuolar protein sorting 13 homolog B; plus strand). Cytogenetic location: 8q22.2.
Variant type: single nucleotide variant.
Coding change: c.5484T>C on transcript NM_152564.5 (MANE Select); coding-DNA position 5484, T replaced by C.
Protein change: p.Cys1828=; no amino-acid change (cysteine 1828 retained).
Molecular consequence: synonymous variant.
Genome position (GRCh38, 1-based): chr8:99,642,074, T>C. VCF-style: chr8-99642074-T-C. GRCh37 (hg19) VCF-style: chr8-100654302-T-C.
Other names: c.5484T>C (NM_152564.4); c.5559T>C, p.Cys1853= (NM_017890.5).
Identifiers: ClinVar variation 1124583 (VCV001124583.10), dbSNP rs1177742095, ClinGen allele CA462464312.